The following is an entry in ClinVar:

ClinVar aggregate classification (germline): Likely pathogenic (1 of 4 stars; one submission).

Conditions:
Hereditary spastic paraplegia 5A (SPG5A). Also called: SPASTIC PARAPLEGIA 5A, AUTOSOMAL RECESSIVE. Identifiers: Orphanet 100986, MedGen C1849115, MONDO:0010047, OMIM 270800.

gnomAD v4.1: 1 of 1,614,076 alleles (0.000062%); highest among the groups gnomAD compares: South Asian, 0.0011%; no homozygotes.

Submission:

Concord Molecular Medicine Laboratory, Concord Repatriation General Hospital
Classification: Likely pathogenic for Hereditary spastic paraplegia 5A. Last evaluated: 2023-02-06. Review status: criteria provided, single submitter. Criteria: ACMG Guidelines, 2015. Collection method: clinical testing. Allele origin: germline. Inheritance: Autosomal recessive inheritance. Affected: yes.
Comment: The CYP7B1 gene has been associated with autosomal recessive spastic paraplegia 5A (OMIM#270800) and autosomal recessive congenital bile acid synthesis defect (OMIM#613812). The latter has been reported in rare cases where the majority of mutations are nonsense or frameshift in nature (PMID: 35580280). It is novel, not reported in population database (gnomAD) and has not been associated with HSP previously. The missense substitution predicts an amino acid change from arginine to glycine in position 388 in the CYP7B1 protein, p.(Arg388Gly). Another missense change (p.Arg388Gln) at the same protein location has been reported in a compound heterozygous state in a patient affected with HSP. Their diagnosis was supported by the typical increase of plasma oxysterols caused by pathogenic variants in CYP7B1 (PMID: 29228183). This variation is located in the cytochrome P450 E-class group IV domain and substitutes a highly conserved amino acid. The mutant residue is predicted to affect the formation of hydrogen bonds and salt bridges with several amino acids made by the wild-type residue. Glycine is very flexible and can disturb the required rigidity of the protein at this position. In silico analysis by REVEL predicts the effect of the variant as uncertain (REVEL:0.653), while MetaRNN predicts the variant to be pathogenic (0.933). The current evidence allows a classification of the variant as “likely pathogenic” (ACMG criteria: PM1, PM5, PM2_supporting, PM3_supporting).

NM_004820.5(CYP7B1):c.1162C>G (p.Arg388Gly)

Gene: CYP7B1 (cytochrome P450 family 7 subfamily B member 1; minus strand). Cytogenetic location: 8q12.3.
Variant type: single nucleotide variant.
Coding change: c.1162C>G on transcript NM_004820.5 (MANE Select); coding-DNA position 1162, C replaced by G.
Protein change: p.Arg388Gly; replaces arginine 388 with glycine.
Molecular consequence: missense variant.
Genome position (GRCh38, 1-based): chr8:64,604,753, G>C on the plus strand (C>G on the coding strand, the complement: CYP7B1 is on the minus strand). VCF-style: chr8-64604753-G-C. GRCh37 (hg19) VCF-style: chr8-65517310-G-C.
Other names: c.1162C>G, p.Arg388Gly (NM_001324112.2); short protein forms R388G.
Identifiers: ClinVar variation 2428781 (VCV002428781.4), dbSNP rs72554620, ClinGen allele CA371334137.